The following is an entry in ClinVar:

ClinVar aggregate classification (germline): Uncertain significance (1 of 4 stars; one submission).

Conditions:
Cardiovascular phenotype. Identifiers: MedGen CN230736.

Submission:

Ambry Genetics
Classification: Uncertain significance for Cardiovascular phenotype. Last evaluated: 2025-06-10. Review status: criteria provided, single submitter. Criteria: Ambry Variant Classification Scheme 2023. Collection method: clinical testing. Allele origin: germline.
Comment: The p.Y693H variant (also known as c.2077T>C), located in coding exon 12 of the JUP gene, results from a T to C substitution at nucleotide position 2077. The tyrosine at codon 693 is replaced by histidine, an amino acid with similar properties. This amino acid position is conserved. In addition, the in silico prediction for this alteration is inconclusive. Based on the available evidence, the clinical significance of this variant remains unclear.

NM_002230.4(JUP):c.2077T>C (p.Tyr693His)

Gene: JUP (junction plakoglobin; minus strand). Cytogenetic location: 17q21.2.
Variant type: single nucleotide variant.
Coding change: c.2077T>C on transcript NM_002230.4 (MANE Select); coding-DNA position 2077, T replaced by C.
Protein change: p.Tyr693His; replaces tyrosine 693 with histidine.
Molecular consequence: missense variant.
Genome position (GRCh38, 1-based): chr17:41,756,184, A>G on the plus strand (T>C on the coding strand, the complement: JUP is on the minus strand). VCF-style: chr17-41756184-A-G. GRCh37 (hg19) VCF-style: chr17-39912436-A-G.
Other names: c.2077T>C, p.Tyr693His (NM_001352773.2, NM_001352774.2, NM_001352775.2 and 3 more transcripts); short protein forms Y693H.
Identifiers: ClinVar variation 4040995 (VCV004040995.1).